The following is an entry in ClinVar:

NM_032242.4(PLXNA1):c.2135C>T (p.Ser712Phe)

Gene: PLXNA1 (plexin A1; plus strand). Cytogenetic location: 3q21.3.
Variant type: single nucleotide variant.
Coding change: c.2135C>T on transcript NM_032242.4 (MANE Select); coding-DNA position 2135, C replaced by T.
Protein change: p.Ser712Phe; replaces serine 712 with phenylalanine.
Molecular consequence: missense variant.
Genome position (GRCh38, 1-based): chr3:127,011,980, C>T. VCF-style: chr3-127011980-C-T. GRCh37 (hg19) VCF-style: chr3-126730823-C-T.
Other names: short protein forms S712F.
Identifiers: ClinVar variation 3348812 (VCV003348812.1).

ClinVar aggregate classification (germline): Uncertain significance (0 of 4 stars; one submission).

Conditions:
PLXNA1-related disorder. Also called: PLXNA1-related condition.

gnomAD v4.1: 1 of 1,613,664 alleles (0.000062%); highest among the groups gnomAD compares: Non-Finnish European, 0.000085%; no homozygotes.

Submission:

PreventionGenetics, part of Exact Sciences
Classification: Uncertain significance for PLXNA1-related condition. Last evaluated: 2024-01-11. Review status: no assertion criteria provided. Collection method: clinical testing. Allele origin: germline.
Comment: The PLXNA1 c.2135C>T variant is predicted to result in the amino acid substitution p.Ser712Phe. To our knowledge, this variant has not been reported in the literature. This variant is reported in 0.00088% of alleles in individuals of European (Non-Finnish) descent in gnomAD. At this time, the clinical significance of this variant is uncertain due to the absence of conclusive functional and genetic evidence.